The following is an entry in ClinVar:

ClinVar aggregate classification (germline): Uncertain significance (1 of 4 stars; one submission).

Conditions:
Inborn genetic diseases. Identifiers: MedGen C0950123, MeSH D030342.

Submission:

Ambry Genetics
Classification: Uncertain significance for Inborn genetic diseases. Last evaluated: 2026-04-16. Review status: criteria provided, single submitter. Criteria: Ambry Variant Classification Scheme 2023. Collection method: clinical testing. Allele origin: germline.
Comment: The p.T58S variant (also known as c.172A>T), located in coding exon 2 of the ELANE gene, results from an A to T substitution at nucleotide position 172. The threonine at codon 58 is replaced by serine, an amino acid with similar properties. This amino acid position is conserved. In addition, the in silico prediction for this alteration is inconclusive. Based on the available evidence, the clinical significance of this variant remains unclear.

NM_001972.4(ELANE):c.172A>T (p.Thr58Ser)

Gene: ELANE (elastase, neutrophil expressed; plus strand). Cytogenetic location: 19p13.3.
Variant type: single nucleotide variant.
Coding change: c.172A>T on transcript NM_001972.4 (MANE Select); coding-DNA position 172, A replaced by T.
Protein change: p.Thr58Ser; replaces threonine 58 with serine.
Molecular consequence: missense variant.
Genome position (GRCh38, 1-based): chr19:852,980, A>T. VCF-style: chr19-852980-A-T. GRCh37 (hg19) VCF-style: chr19-852980-A-T.
Other names: short protein forms T58S.
Identifiers: ClinVar variation 2537915 (VCV002537915.3), dbSNP rs1555709360, ClinGen allele CA402914722.